The following is an entry in ClinVar:

ClinVar aggregate classification (germline): Pathogenic (1 of 4 stars; one submission).

Submission:

Baylor Genetics
Classification: Pathogenic. Last evaluated: 2018-11-01. Review status: criteria provided, single submitter. Criteria: ACMG CNV Guidelines, 2011. Collection method: clinical testing. Allele origin: germline. Observed: 1 variant allele.
Comment: Deletions involving this region have been previously reported in patients with structural brain abnormalities [PMID:16686647; 24056535; 24736736]

GRCh37/hg19 6q27(chr6:168311806-170881789)

Genes: AFDN (afadin, adherens junction formation factor; plus strand), C6orf120 (chromosome 6 open reading frame 120; plus strand), DACT2 (dishevelled binding antagonist of beta catenin 2; minus strand), DLL1 (delta like canonical Notch ligand 1; minus strand), DYNLT2 (dynein light chain Tctex-type 2; minus strand) and 10 more. Cytogenetic location: 6q27.
Variant type: copy number loss.
Identifiers: ClinVar variation 625666 (VCV000625666.1).